The following is an entry in ClinVar:

ClinVar aggregate classification (germline): Uncertain significance. Review status: criteria provided, multiple submitters, no conflicts (2 of 4 stars). 2 submissions from 2 submitters: Uncertain significance (2). Last evaluated 2023-05-19.

Conditions:
Inborn genetic diseases. Identifiers: MedGen C0950123, MeSH D030342.
Developmental delay, behavioral abnormalities, and neuropsychiatric disorders (DEDBANP). Identifiers: MedGen C5774224, MONDO:0859292, OMIM 620065.

Allele frequency attached by ClinVar (database versions not stated): gnomAD 0.00001; gnomAD exomes 0.00001; ExAC 0.00002; TOPMed 0.00003.
gnomAD v4.1: 15 of 1,614,000 alleles (0.00093%); highest among the groups gnomAD compares: East Asian, 0.011%; no homozygotes.

Submissions (2):

Pittsburgh Clinical Genomics Laboratory, University of Pittsburgh Medical Center
Classification: Uncertain significance for Developmental delay, behavioral abnormalities, and neuropsychiatric disorders. Last evaluated: 2023-05-19. Review status: criteria provided, single submitter. Criteria: ACMG Guidelines, 2015. Collection method: clinical testing. Allele origin: germline. Inheritance: Autosomal dominant inheritance. Affected: yes.
Comment: This sequence variant is a single nucleotide substitution (G>A) at position 1099 of the coding sequence of the ADGRL1 gene that results in a valine to isoleucine amino acid change at residue 367 of the adhesion G protein-coupled receptor L1 protein. The 367 residue falls in the Olfactomedin-like domain (Uniprot). This is a previously reported variant (ClinVar) that has not been observed in an individuals affected by an ADGRL1-related disorder in the published literature, to our knowledge. This variant is present in 9 of 251456 alleles (0.0036%) in the gnomAD population dataset. Multiple bioinformatic tools predict that this valine to isoleucine amino acid change would be damaging, and the valine residue at this position is highly conserved across the vertebrate species examined. Studies examining the functiol consequence of this variant have not been published, to our knowledge. Based upon the evidence, we consider this to be a variant of uncertain significance. ACMG Criteria: PM2, PP3

Ambry Genetics
Classification: Uncertain significance for Inborn genetic diseases. Last evaluated: 2022-06-21. Review status: criteria provided, single submitter. Criteria: Ambry Variant Classification Scheme 2023. Collection method: clinical testing. Allele origin: germline.

NM_014921.5(ADGRL1):c.1099G>A (p.Val367Ile)

Genes: ADGRL1 (adhesion G protein-coupled receptor L1; minus strand), ADGRL1-AS1 (ADGRL1 antisense RNA 1; plus strand). Cytogenetic location: 19p13.12.
Variant type: single nucleotide variant.
Coding change: c.1099G>A on transcript NM_014921.5 (MANE Select); coding-DNA position 1099, G replaced by A.
Protein change: p.Val367Ile; replaces valine 367 with isoleucine.
Molecular consequence: missense variant.
Genome position (GRCh38, 1-based): chr19:14,162,702, C>T on the plus strand (G>A on the coding strand, the complement: ADGRL1 is on the minus strand). VCF-style: chr19-14162702-C-T. GRCh37 (hg19) VCF-style: chr19-14273514-C-T.
Other names: c.1114G>A, p.Val372Ile (NM_001008701.3); short protein forms V367I, V372I.
Identifiers: ClinVar variation 2295960 (VCV002295960.3), dbSNP rs759598833, ClinGen allele CA9250796.
Genomic context (GRCh38, chr19:14,162,702, plus strand): 5'-AGCGCACCACGAAATAGTTGTTCCAGACGTACAGCTGGTTGTCGCGAGGGTTGTAGTCAA[C>T]GGAGGAGATGAACTGGTAGGGGTTGGGGAAGGTGAGGCTGACAGGCTCCTCGCGGTTGGC-3'
Protein context (NP_055736.2, residues 357-377): FPNPYQFISS[Val367Ile]DYNPRDNQLY